The following is an entry in ClinVar:

ClinVar aggregate classification (germline): Benign. Review status: criteria provided, multiple submitters, no conflicts (2 of 4 stars). 11 submissions from 9 submitters: Benign (7). 4 of the submissions do not count toward it. Last evaluated 2026-02-03.

Conditions:
Arthrogryposis multiplex congenita 3, myogenic type. Also called: ARTHROGRYPOSIS MULTIPLEX CONGENITA, MYOGENIC TYPE. Identifiers: MedGen C5193121, MONDO:0032778, OMIM 618484.
Emery-Dreifuss muscular dystrophy 4, autosomal dominant (EDMD4). Also called: EMERY-DREIFUSS MUSCULAR DYSTROPHY 4 WITH VARIABLE FEATURES. Identifiers: Orphanet 261, MedGen C2751807, MONDO:0013071, OMIM 612998.
Autosomal recessive ataxia, Beauce type. Also called: Spinocerebellar ataxia, autosomal recessive 8; ATAXIA, RECESSIVE, OF BEAUCE; SYNE1-Related Autosomal Recessive Cerebellar Ataxia; SYNE1 Deficiency. Identifiers: Orphanet 88644, MedGen C1853116, MONDO:0012549, OMIM 610743.

Allele frequency attached by ClinVar (database versions not stated): 1000 Genomes Project 30x 0.67661; 1000 Genomes Project 0.68071; ESP Exome Variant Server 0.62388; TOPMed 0.63484; gnomAD exomes 0.63632 and 0.65847; gnomAD 0.64435 and 0.64761; ExAC 0.65780.
gnomAD v4.1: 937,353 of 1,470,016 alleles (64%); highest among the groups gnomAD compares: East Asian, 88%; 301,379 homozygotes.

Submissions (11):

Labcorp Genetics (formerly Invitae), Labcorp
Classification: Benign for Emery-Dreifuss muscular dystrophy 4, autosomal dominant; Autosomal recessive ataxia, Beauce type. Last evaluated: 2026-02-03. Review status: criteria provided, single submitter. Criteria: Invitae Variant Classification Sherloc (09022015). Collection method: clinical testing. Allele origin: germline.

Blueprint Genetics
Classification: Benign. Last evaluated: 2024-11-27. Review status: criteria provided, single submitter. Criteria: ACMG Guidelines, 2015. Collection method: clinical testing. Allele origin: germline.

Genome-Nilou Lab
Classification: Benign for Arthrogryposis multiplex congenita 3, myogenic type. Last evaluated: 2021-07-15. Review status: criteria provided, single submitter. Criteria: ACMG Guidelines, 2015. Collection method: clinical testing. Allele origin: germline. Affected: no.

Genome-Nilou Lab
Classification: Benign for Emery-Dreifuss muscular dystrophy 4, autosomal dominant. Last evaluated: 2021-07-15. Review status: criteria provided, single submitter. Criteria: ACMG Guidelines, 2015. Collection method: clinical testing. Allele origin: germline. Affected: no.

Genome-Nilou Lab
Classification: Benign for Autosomal recessive ataxia, Beauce type. Last evaluated: 2021-07-15. Review status: criteria provided, single submitter. Criteria: ACMG Guidelines, 2015. Collection method: clinical testing. Allele origin: germline. Affected: no.

GeneDx
Classification: Benign. Last evaluated: 2016-01-25. Review status: criteria provided, single submitter. Criteria: GeneDx Variant Classification (06012015). Collection method: clinical testing. Allele origin: germline. Affected: yes.
Comment: This variant is considered likely benign or benign based on one or more of the following criteria: it is a conservative change, it occurs at a poorly conserved position in the protein, it is predicted to be benign by multiple in silico algorithms, and/or has population frequency not consistent with disease.

PreventionGenetics, part of Exact Sciences
Classification: Benign. Review status: criteria provided, single submitter. Criteria: ACMG Guidelines, 2015. Collection method: clinical testing. Allele origin: germline.

Clinical Genetics DNA and cytogenetics Diagnostics Lab, Erasmus MC, Erasmus Medical Center
Classification: Benign. Review status: no assertion criteria provided. Collection method: clinical testing. Allele origin: germline. Affected: yes. Study: VKGL Data-share Consensus. Not counted in ClinVar's aggregate classification.

Clinical Genetics, Academic Medical Center
Classification: Benign. Review status: no assertion criteria provided. Collection method: clinical testing. Allele origin: germline. Affected: yes. Study: VKGL Data-share Consensus. Not counted in ClinVar's aggregate classification.

Diagnostic Laboratory, Department of Genetics, University Medical Center Groningen
Classification: Benign. Review status: no assertion criteria provided. Collection method: clinical testing. Allele origin: germline. Affected: yes. Study: VKGL Data-share Consensus. Not counted in ClinVar's aggregate classification.

Joint Genome Diagnostic Labs from Nijmegen and Maastricht, Radboudumc and MUMC+
Classification: Benign. Review status: no assertion criteria provided. Collection method: clinical testing. Allele origin: germline. Affected: yes. Study: VKGL Data-share Consensus. Not counted in ClinVar's aggregate classification.

NM_182961.4(SYNE1):c.19471-18C>T

Gene: SYNE1 (spectrin repeat containing nuclear envelope protein 1; minus strand). Cytogenetic location: 6q25.2.
Variant type: single nucleotide variant.
Coding change: c.19471-18C>T on transcript NM_182961.4 (MANE Select); 18 bases into the intron before coding-DNA position 19471, C replaced by T.
Molecular consequence: intron variant.
Genome position (GRCh38, 1-based): chr6:152,249,280, G>A on the plus strand (C>T on the coding strand, the complement: SYNE1 is on the minus strand). VCF-style: chr6-152249280-G-A. GRCh37 (hg19) VCF-style: chr6-152570415-G-A.
Other names: c.19258-18C>T (NM_033071.5).
Identifiers: ClinVar variation 262176 (VCV000262176.21), dbSNP rs6557210, ClinGen allele CA4054663.